The following is an entry in ClinVar:

NM_199242.3(UNC13D):c.3181C>T (p.Arg1061Trp)

Gene: UNC13D (unc-13 homolog D; minus strand). Cytogenetic location: 17q25.1.
Variant type: single nucleotide variant.
Coding change: c.3181C>T on transcript NM_199242.3 (MANE Select); coding-DNA position 3181, C replaced by T.
Protein change: p.Arg1061Trp; replaces arginine 1061 with tryptophan.
Molecular consequence: missense variant.
Genome position (GRCh38, 1-based): chr17:75,828,057, G>A on the plus strand (C>T on the coding strand, the complement: UNC13D is on the minus strand). VCF-style: chr17-75828057-G-A. GRCh37 (hg19) VCF-style: chr17-73824138-G-A.
Other names: c.3181C>T (NM_199242.2); short protein forms R1061W.
Identifiers: ClinVar variation 1357620 (VCV001357620.5), dbSNP rs1380958280, ClinGen allele CA401073773.

ClinVar aggregate classification (germline): Uncertain significance. Review status: criteria provided, multiple submitters, no conflicts (2 of 4 stars). 3 submissions from 3 submitters: Uncertain significance (3). Last evaluated 2024-10-02.

Conditions:
Familial hemophagocytic lymphohistiocytosis 3 (FHL3). Also called: UNC13D-Related Familial Hemophagocytic Lymphohistiocytosis (UNC13D-fHLH). Identifiers: Orphanet 540, MedGen C1837174, MONDO:0012146, OMIM 608898.
Inborn genetic diseases. Identifiers: MedGen C0950123, MeSH D030342.

Allele frequency attached by ClinVar (database versions not stated): TOPMed below 0.00001; gnomAD 0.00001; gnomAD exomes 0.00001.
gnomAD v4.1: 14 of 1,574,902 alleles (0.00089%); highest among the groups gnomAD compares: Admixed American, 0.0018%; no homozygotes.

Submissions (3):

Women's Health and Genetics/Laboratory Corporation of America, LabCorp
Classification: Uncertain significance. Last evaluated: 2024-10-02. Review status: criteria provided, single submitter. Criteria: LabCorp Variant Classification Summary - May 2015. Collection method: clinical testing. Allele origin: germline.
Comment: Variant summary: UNC13D c.3181C>T (p.Arg1061Trp) results in a non-conservative amino acid change located in the C2 domain (IPR000008) of the encoded protein sequence. Five of five in-silico tools predict a damaging effect of the variant on protein function. The variant allele was found at a frequency of 1.1e-05 in 182144 control chromosomes. The available data on variant occurrences in the general population are insufficient to allow any conclusion about variant significance. c.3181C>T has been reported in the literature in individuals affected with Familial Hemophagocytic Lymphohistiocytosis (Xinh_2021) without evidence for causality. These report(s) do not provide unequivocal conclusions about association of the variant with Familial Hemophagocytic Lymphohistiocytosis. To our knowledge, no experimental evidence demonstrating an impact on protein function has been reported. The following publication have been ascertained in the context of this evaluation (PMID: 34339548). ClinVar contains an entry for this variant (Variation ID: 1357620). Based on the evidence outlined above, the variant was classified as uncertain significance.

Ambry Genetics
Classification: Uncertain significance for Inborn genetic diseases. Last evaluated: 2021-11-08. Review status: criteria provided, single submitter. Criteria: Ambry Variant Classification Scheme 2023. Collection method: clinical testing. Allele origin: germline.

Labcorp Genetics (formerly Invitae), Labcorp
Classification: Uncertain significance for Familial hemophagocytic lymphohistiocytosis 3. Last evaluated: 2021-08-26. Review status: criteria provided, single submitter. Criteria: Invitae Variant Classification Sherloc (09022015). Collection method: clinical testing. Allele origin: germline.
Comment: This sequence change replaces arginine with tryptophan at codon 1061 of the UNC13D protein (p.Arg1061Trp). The arginine residue is highly conserved and there is a moderate physicochemical difference between arginine and tryptophan. This variant is not present in population databases (ExAC no frequency). This variant has not been reported in the literature in individuals affected with UNC13D-related conditions. Algorithms developed to predict the effect of missense changes on protein structure and function are either unavailable or do not agree on the potential impact of this missense change (SIFT: "Not Available"; PolyPhen-2: "Probably Damaging"; Align-GVGD: "Not Available"). In summary, the available evidence is currently insufficient to determine the role of this variant in disease. Therefore, it has been classified as a Variant of Uncertain Significance.

Literature cited by the submitters: PubMed 34339548 (cited by Women's Health and Genetics/Laboratory Corporation of America, LabCorp).